The following is an entry in ClinVar:

ClinVar aggregate classification (germline): Benign (1 of 4 stars; one submission).

Allele frequency attached by ClinVar (database versions not stated): 1000 Genomes Project 30x 0.54685; 1000 Genomes Project 0.54732; gnomAD 0.55513 and 0.55691; TOPMed 0.55843.
gnomAD v4.1: 84,716 of 152,038 alleles (56%); highest among the groups gnomAD compares: East Asian, 62%; 24,006 homozygotes.

Submission:

GeneDx
Classification: Benign. Last evaluated: 2018-06-18. Review status: criteria provided, single submitter. Criteria: GeneDx Variant Classification (06012015). Collection method: clinical testing. Allele origin: germline. Affected: yes.
Comment: This variant is considered likely benign or benign based on one or more of the following criteria: it is a conservative change, it occurs at a poorly conserved position in the protein, it is predicted to be benign by multiple in silico algorithms, and/or has population frequency not consistent with disease.

NM_182961.4(SYNE1):c.11253+309A>C

Gene: SYNE1 (spectrin repeat containing nuclear envelope protein 1; minus strand). Cytogenetic location: 6q25.2.
Variant type: single nucleotide variant.
Coding change: c.11253+309A>C on transcript NM_182961.4 (MANE Select); 309 bases into the intron after coding-DNA position 11253, A replaced by C.
Molecular consequence: intron variant.
Genome position (GRCh38, 1-based): chr6:152,352,954, T>G on the plus strand (A>C on the coding strand, the complement: SYNE1 is on the minus strand). VCF-style: chr6-152352954-T-G. GRCh37 (hg19) VCF-style: chr6-152674089-T-G.
Other names: c.11208+309A>C (NM_033071.5).
Identifiers: ClinVar variation 683939 (VCV000683939.1), dbSNP rs2029413, ClinGen allele CA15434756.